The following is an entry in ClinVar:

NM_198576.4(AGRN):c.4838G>A (p.Cys1613Tyr)

Gene: AGRN (agrin; plus strand). Cytogenetic location: 1p36.33.
Variant type: single nucleotide variant.
Coding change: c.4838G>A on transcript NM_198576.4 (MANE Select); coding-DNA position 4838, G replaced by A.
Protein change: p.Cys1613Tyr; replaces cysteine 1613 with tyrosine.
Molecular consequence: missense variant.
Genome position (GRCh38, 1-based): chr1:1,049,996, G>A. VCF-style: chr1-1049996-G-A. GRCh37 (hg19) VCF-style: chr1-985376-G-A.
Other names: c.4838G>A, p.Cys1613Tyr (NM_001305275.2); c.4523G>A, p.Cys1508Tyr (NM_001364727.2); short protein forms C1508Y, C1613Y.
Identifiers: ClinVar variation 852923 (VCV000852923.9), dbSNP rs1347129558, ClinGen allele CA337779505.
Genomic context (GRCh38, chr1:1,049,996, plus strand): 5'-AGCCCAACCCCTGCCATGGGGCGGCGCCCTGCCGTGTGCTGCCCGAGGGTGGTGCTCAGT[G>A]CGAGTGCCCCCTGGGGCGTGAGGGCACCTTCTGCCAGACAGGTCGGGGGCGTGGGGCTCT-3'
Protein context (NP_940978.2, residues 1603-1623): CRVLPEGGAQ[Cys1613Tyr]ECPLGREGTF

ClinVar aggregate classification (germline): Uncertain significance (1 of 4 stars; one submission).

Conditions:
Congenital myasthenic syndrome 8. Also called: MYASTHENIC SYNDROME, CONGENITAL, DUE TO AGRIN DEFICIENCY; Myasthenic syndrome, congenital, 8, with pre- and postsynaptic defects. Identifiers: Orphanet 590, MedGen C3808739, MONDO:0014052, OMIM 615120.

Allele frequency attached by ClinVar (database versions not stated): gnomAD 0.00001.
gnomAD v4.1: 2 of 1,611,564 alleles (0.00012%); highest among the groups gnomAD compares: Non-Finnish European, 0.00017%; no homozygotes.

Submission:

Labcorp Genetics (formerly Invitae), Labcorp
Classification: Uncertain significance for Congenital myasthenic syndrome 8. Last evaluated: 2019-01-06. Review status: criteria provided, single submitter. Criteria: Invitae Variant Classification Sherloc (09022015). Collection method: clinical testing. Allele origin: germline.
Comment: In summary, the available evidence is currently insufficient to determine the role of this variant in disease. Therefore, it has been classified as a Variant of Uncertain Significance. Algorithms developed to predict the effect of missense changes on protein structure and function are either unavailable or do not agree on the potential impact of this missense change (SIFT: "Deleterious"; PolyPhen-2: "Probably Damaging"; Align-GVGD: "Class C0"). This variant has not been reported in the literature in individuals with AGRN-related conditions. This variant is not present in population databases (ExAC no frequency). This sequence change replaces cysteine with tyrosine at codon 1613 of the AGRN protein (p.Cys1613Tyr). The cysteine residue is highly conserved and there is a large physicochemical difference between cysteine and tyrosine.